The following is an entry in ClinVar:

ClinVar aggregate classification (germline): Uncertain significance (1 of 4 stars; one submission).

Allele frequency attached by ClinVar (database versions not stated): gnomAD exomes below 0.00001.
gnomAD v4.1: 1 of 1,611,374 alleles (0.000062%); highest among the groups gnomAD compares: African/African-American, 0.0013%; no homozygotes.

Submission:

Labcorp Genetics (formerly Invitae), Labcorp
Classification: Uncertain significance. Last evaluated: 2022-12-11. Review status: criteria provided, single submitter. Criteria: Invitae Variant Classification Sherloc (09022015). Collection method: clinical testing. Allele origin: germline.
Comment: In summary, the available evidence is currently insufficient to determine the role of this variant in disease. Therefore, it has been classified as a Variant of Uncertain Significance. Advanced modeling of protein sequence and biophysical properties (such as structural, functional, and spatial information, amino acid conservation, physicochemical variation, residue mobility, and thermodynamic stability) performed at Invitae indicates that this missense variant is not expected to disrupt ABRAXAS1 protein function. This variant has not been reported in the literature in individuals affected with ABRAXAS1-related conditions. This variant is present in population databases (no rsID available, gnomAD 0.007%). This sequence change replaces lysine, which is basic and polar, with threonine, which is neutral and polar, at codon 155 of the ABRAXAS1 protein (p.Lys155Thr).

NM_139076.3(ABRAXAS1):c.464A>C (p.Lys155Thr)

Gene: ABRAXAS1 (abraxas 1, BRCA1 A complex subunit; minus strand). Cytogenetic location: 4q21.23.
Variant type: single nucleotide variant.
Coding change: c.464A>C on transcript NM_139076.3 (MANE Select); coding-DNA position 464, A replaced by C.
Protein change: p.Lys155Thr; replaces lysine 155 with threonine.
Molecular consequence: missense variant.
Genome position (GRCh38, 1-based): chr4:83,470,215, T>G on the plus strand (A>C on the coding strand, the complement: ABRAXAS1 is on the minus strand). VCF-style: chr4-83470215-T-G. GRCh37 (hg19) VCF-style: chr4-84391368-T-G.
Other names: c.137A>C, p.Lys46Thr (NM_001345962.2); short protein forms K155T, K46T.
Identifiers: ClinVar variation 2912256 (VCV002912256.3), dbSNP rs1330016704, ClinGen allele CA357259689.